The following is an entry in ClinVar:

ClinVar aggregate classification (germline): Uncertain significance (1 of 4 stars; one submission).

Allele frequency attached by ClinVar (database versions not stated): gnomAD exomes below 0.00001 and 0.00001.
gnomAD v4.1: 1 of 1,456,898 alleles (0.000069%); highest among the groups gnomAD compares: South Asian, 0.0013%; no homozygotes.

Submission:

Labcorp Genetics (formerly Invitae), Labcorp
Classification: Uncertain significance. Last evaluated: 2021-02-22. Review status: criteria provided, single submitter. Criteria: Invitae Variant Classification Sherloc (09022015). Collection method: clinical testing. Allele origin: germline.
Comment: In summary, the available evidence is currently insufficient to determine the role of this variant in disease. Therefore, it has been classified as a Variant of Uncertain Significance. This sequence change replaces glycine with arginine at codon 21 of the TONSL protein (p.Gly21Arg). The glycine residue is moderately conserved and there is a moderate physicochemical difference between glycine and arginine. Algorithms developed to predict the effect of missense changes on protein structure and function are either unavailable or do not agree on the potential impact of this missense change (SIFT: "Deleterious"; PolyPhen-2: "Probably Damaging"; Align-GVGD: "Class C0"). This variant has not been reported in the literature in individuals with TONSL-related conditions. The frequency data for this variant in the population databases is considered unreliable, as metrics indicate insufficient coverage at this position in the ExAC database.

NM_013432.5(TONSL):c.61G>A (p.Gly21Arg)

Genes: TONSL (tonsoku like, DNA repair protein; minus strand), LOC130001399 (ATAC-STARR-seq lymphoblastoid silent region 19685; plus strand). Cytogenetic location: 8q24.3.
Variant type: single nucleotide variant.
Coding change: c.61G>A on transcript NM_013432.5 (MANE Select); coding-DNA position 61, G replaced by A.
Protein change: p.Gly21Arg; replaces glycine 21 with arginine.
Molecular consequence: missense variant.
Genome position (GRCh38, 1-based): chr8:144,444,240, C>T on the plus strand (G>A on the coding strand, the complement: TONSL is on the minus strand). VCF-style: chr8-144444240-C-T. GRCh37 (hg19) VCF-style: chr8-145669623-C-T.
Other names: short protein forms G21R.
Identifiers: ClinVar variation 1374294 (VCV001374294.8), dbSNP rs1249247489, ClinGen allele CA372680015.
Genomic context (GRCh38, chr8:144,444,240, plus strand): 5'-CATGGCCGGCCAGGAGCTCCCCCAGCTGGTGGCACAGCGCGGCCTCTTCGCGCCGCTGCC[C>T]GGCCCTCTGCGCCTTGGCTTTCGCCTTGCTCAGCTCTGTGGGAGGAAGAGGAGGGCTGGG-3'
Protein context (NP_038460.4, residues 11-31): SKAKAKAQRA[Gly21Arg]QRREEAALCH